The following is an entry in ClinVar:

NM_152281.3(GORAB):c.871A>G (p.Arg291Gly)

Gene: GORAB (golgin, RAB6 interacting; plus strand). Cytogenetic location: 1q24.2.
Variant type: single nucleotide variant.
Coding change: c.871A>G on transcript NM_152281.3 (MANE Select); coding-DNA position 871, A replaced by G.
Protein change: p.Arg291Gly; replaces arginine 291 with glycine.
Molecular consequence: missense variant. On other transcripts: non-coding transcript variant (1).
Genome position (GRCh38, 1-based): chr1:170,552,223, A>G. VCF-style: chr1-170552223-A-G. GRCh37 (hg19) VCF-style: chr1-170521364-A-G.
Other names: c.406A>G, p.Arg136Gly (NM_001320252.2); c.820A>G, p.Arg274Gly (NM_001410894.1); short protein forms R274G, R291G, R136G.
Identifiers: ClinVar variation 4732992 (VCV004732992.1).

ClinVar aggregate classification (germline): Uncertain significance (1 of 4 stars; one submission).

Submission:

Labcorp Genetics (formerly Invitae), Labcorp
Classification: Uncertain significance. Last evaluated: 2025-12-18. Review status: criteria provided, single submitter. Criteria: Invitae Variant Classification Sherloc (09022015). Collection method: clinical testing. Allele origin: germline.
Comment: This sequence change replaces arginine, which is basic and polar, with glycine, which is neutral and non-polar, at codon 316 of the GORAB protein (p.Arg316Gly). This variant is not present in population databases (gnomAD no frequency). This variant has not been reported in the literature in individuals affected with GORAB-related conditions. An algorithm developed to predict the effect of missense changes on protein structure and function (PolyPhen-2) suggests that this variant is likely to be tolerated. In summary, the available evidence is currently insufficient to determine the role of this variant in disease. Therefore, it has been classified as a Variant of Uncertain Significance.